The following is an entry in ClinVar:

NM_012308.3(KDM2A):c.265C>T (p.Pro89Ser)

Gene: KDM2A (lysine demethylase 2A; plus strand). Cytogenetic location: 11q13.2.
Variant type: single nucleotide variant.
Coding change: c.265C>T on transcript NM_012308.3 (MANE Select); coding-DNA position 265, C replaced by T.
Protein change: p.Pro89Ser; replaces proline 89 with serine.
Molecular consequence: missense variant. On other transcripts: non-coding transcript variant (1).
Genome position (GRCh38, 1-based): chr11:67,181,850, C>T. VCF-style: chr11-67181850-C-T. GRCh37 (hg19) VCF-style: chr11-66949321-C-T.
Other names: short protein forms P89S.
Identifiers: ClinVar variation 5009500 (VCV005009500.1).

ClinVar aggregate classification (germline): Uncertain significance (1 of 4 stars; one submission).

Submission:

GeneDx
Classification: Uncertain significance. Last evaluated: 2026-03-20. Review status: criteria provided, single submitter. Criteria: GeneDx Variant Classification Process June 2021. Collection method: clinical testing. Allele origin: germline.
Comment: Not observed at significant frequency in large population cohorts (gnomAD); In silico analysis supports that this missense variant has a deleterious effect on protein structure/function; Has not been previously published as pathogenic or benign to our knowledge